The following is an entry in ClinVar:

ClinVar aggregate classification (germline): Uncertain significance. Review status: criteria provided, multiple submitters, no conflicts (2 of 4 stars). 2 submissions from 2 submitters: Uncertain significance (2). Last evaluated 2025-08-25.

Conditions:
Hereditary cancer-predisposing syndrome. Also called: Hereditary neoplastic syndrome; Neoplastic Syndromes, Hereditary; Tumor predisposition; Hereditary Cancer Syndrome. Identifiers: Orphanet 140162, MedGen C0027672, MeSH D009386, MONDO:0015356.
Familial thoracic aortic aneurysm and aortic dissection (TAAD). Also called: Thoracic aortic aneurysms and dissections. Identifiers: Orphanet 91387, MedGen C4707243, MONDO:0019625.
Juvenile polyposis syndrome (JPS). Identifiers: Orphanet 2929, MedGen C0345893, MONDO:0017380, OMIM 174900.

Submissions (2):

Labcorp Genetics (formerly Invitae), Labcorp
Classification: Uncertain significance for Juvenile polyposis syndrome. Last evaluated: 2025-08-25. Review status: criteria provided, single submitter. Criteria: Invitae Variant Classification Sherloc (09022015). Collection method: clinical testing. Allele origin: germline.
Comment: This sequence change replaces histidine, which is basic and polar, with arginine, which is basic and polar, at codon 111 of the SMAD4 protein (p.His111Arg). This variant is not present in population databases (gnomAD no frequency). This variant has not been reported in the literature in individuals affected with SMAD4-related conditions. ClinVar contains an entry for this variant (Variation ID: 1001530). Invitae Evidence Modeling of protein sequence and biophysical properties (such as structural, functional, and spatial information, amino acid conservation, physicochemical variation, residue mobility, and thermodynamic stability) has been performed for this missense variant. However, the output from this modeling did not meet the statistical confidence thresholds required to predict the impact of this variant on SMAD4 protein function. In summary, the available evidence is currently insufficient to determine the role of this variant in disease. Therefore, it has been classified as a Variant of Uncertain Significance.

Ambry Genetics
Classification: Uncertain significance for Hereditary cancer-predisposing syndrome; Familial thoracic aortic aneurysm and aortic dissection. Last evaluated: 2025-07-04. Review status: criteria provided, single submitter. Criteria: Ambry Variant Classification Scheme 2023. Collection method: clinical testing. Allele origin: germline.
Comment: The p.H111R variant (also known as c.332A>G), located in coding exon 2 of the SMAD4 gene, results from an A to G substitution at nucleotide position 332. The histidine at codon 111 is replaced by arginine, an amino acid with highly similar properties. This amino acid position is conserved. In addition, this alteration is predicted to be deleterious by in silico analysis. Since supporting evidence is limited at this time, the clinical significance of this alteration remains unclear.

NM_005359.6(SMAD4):c.332A>G (p.His111Arg)

Gene: SMAD4 (SMAD family member 4; plus strand). Cytogenetic location: 18q21.2.
Variant type: single nucleotide variant.
Coding change: c.332A>G on transcript NM_005359.6 (MANE Select); coding-DNA position 332, A replaced by G.
Protein change: p.His111Arg; replaces histidine 111 with arginine.
Molecular consequence: missense variant.
Genome position (GRCh38, 1-based): chr18:51,048,768, A>G. VCF-style: chr18-51048768-A-G. GRCh37 (hg19) VCF-style: chr18-48575138-A-G.
Other names: short protein forms H111R.
Identifiers: ClinVar variation 1001530 (VCV001001530.12), dbSNP rs1064794363, ClinGen allele CA402458375.
Genomic context (GRCh38, chr18:51,048,768, plus strand): 5'-CTCATGTGATCTATGCCCGTCTCTGGAGGTGGCCTGATCTTCACAAAAATGAACTAAAAC[A>G]TGTTAAATATTGTCAGTATGCGTTTGACTTAAAATGTGATAGTGTCTGTGTGAATCCATA-3'
Protein context (NP_005350.1, residues 101-121): WPDLHKNELK[His111Arg]VKYCQYAFDL